The following is an entry in ClinVar:

ClinVar aggregate classification (germline): Likely pathogenic (1 of 4 stars; one submission).

Conditions:
Neuronal ceroid lipofuscinosis. Also called: Neuronal Ceroid Lipofuscinoses. Identifiers: Orphanet 216, Orphanet 79263, MedGen C0027877, MONDO:0016295. Disease mechanism: loss of function.

Submission:

Women's Health and Genetics/Laboratory Corporation of America, LabCorp
Classification: Likely pathogenic for Neuronal ceroid lipofuscinosis. Last evaluated: 2022-06-01. Review status: criteria provided, single submitter. Criteria: LabCorp Variant Classification Summary - May 2015. Collection method: clinical testing. Allele origin: germline.
Comment: Variant summary: CTSF c.130delC (p.Arg44AlafsX104) results in a premature termination codon, predicted to cause a truncation of the encoded protein or absence of the protein due to nonsense mediated decay, which are commonly known mechanisms for disease. A truncation downstream of this position has been associated with Kufs disease, type B in HGMD. The variant was absent in 596 control chromosomes (gnomAD). To our knowledge, no occurrence of c.130delC in individuals affected with Neuronal Ceroid-Lipofuscinosis (Batten Disease) and no experimental evidence demonstrating its impact on protein function have been reported. No clinical diagnostic laboratories have submitted clinical-significance assessments for this variant to ClinVar after 2014. Based on the evidence outlined above, the variant was classified as likely pathogenic.

NM_003793.4(CTSF):c.130del (p.Arg44fs)

Gene: CTSF (cathepsin F; minus strand). Cytogenetic location: 11q13.2.
Variant type: Deletion.
Coding change: c.130del on transcript NM_003793.4 (MANE Select); coding-DNA position 130, one base deleted (C; older notation c.130delC).
Protein change: p.Arg44fs; shifts the reading frame from arginine 44.
Molecular consequence: frameshift variant.
Genome position (GRCh38, 1-based): chr11:66,568,357, G deleted on the plus strand (C on the coding strand, the reverse complement: CTSF is on the minus strand); the first of 3 consecutive G bases (chr11:66,568,357-66,568,359); deleting any one gives the same sequence. VCF-style (leftmost placement, unchanged base first): chr11-66568356-CG-C. GRCh37 (hg19) VCF-style: chr11-66335827-CG-C.
Other names: short protein forms R44fs.
Identifiers: ClinVar variation 1698527 (VCV001698527.1), dbSNP rs1857984449, ClinGen allele CA1979740111.